The following is an entry in ClinVar:

ClinVar aggregate classification (germline): Pathogenic/Likely pathogenic. Review status: criteria provided, multiple submitters, no conflicts (2 of 4 stars). 2 submissions from 2 submitters: Pathogenic (1); Likely pathogenic (1). Last evaluated 2025-02-17.

Conditions:
Carnitine deficiency. Identifiers: MedGen C1142132.
Renal carnitine transport defect (CDSP). Also called: Primary carnitine deficiency; Systemic primary carnitine deficiency; Carnitine transporter deficiency; Carnitine Deficiency, Systemic; CARNITINE DEFICIENCY, SYSTEMIC, DUE TO DEFECT IN RENAL REABSORPTION OF CARNITINE; CARNITINE TRANSPORTER, PLASMA-MEMBRANE, DEFICIENCY OF. Identifiers: Orphanet 158, MedGen C0342788, MONDO:0008919, OMIM 212140.

Submissions (2):

Natera, Inc.
Classification: Likely pathogenic for Carnitine deficiency. Last evaluated: 2025-02-17. Review status: criteria provided, single submitter. Criteria: Natera Variant Classification Schema (03/2026). Collection method: clinical testing. Allele origin: germline.
Comment: The c.1350delA variant in SLC22A5 is a frameshift variant predicted to shift the reading frame beginning at codon 451 and leads to a stop codon 8 codons downstream. This variant is expected to result in nonsense mediated decay, truncation, or a dysfunctional protein product. This variant is rare in the general population with a frequency below the threshold expected for the associated phenotype(s). Given the available evidence, this variant is classified as Likely Pathogenic.

Labcorp Genetics (formerly Invitae), Labcorp
Classification: Pathogenic for Renal carnitine transport defect. Last evaluated: 2023-06-02. Review status: criteria provided, single submitter. Criteria: Invitae Variant Classification Sherloc (09022015). Collection method: clinical testing. Allele origin: germline.
Comment: For these reasons, this variant has been classified as Pathogenic. ClinVar contains an entry for this variant (Variation ID: 1367433). This sequence change creates a premature translational stop signal (p.Ala451Profs*8) in the SLC22A5 gene. It is expected to result in an absent or disrupted protein product. Loss-of-function variants in SLC22A5 are known to be pathogenic (PMID: 9916797). This variant is not present in population databases (gnomAD no frequency). This variant has not been reported in the literature in individuals affected with SLC22A5-related conditions.

Literature cited by the submitters: PubMed 9916797 (cited by Labcorp Genetics (formerly Invitae), Labcorp).

NM_003060.4(SLC22A5):c.1350del (p.Ala451fs)

Gene: SLC22A5 (solute carrier family 22 member 5; plus strand). Cytogenetic location: 5q31.1.
Variant type: Deletion.
Coding change: c.1350del on transcript NM_003060.4 (MANE Select); coding-DNA position 1350, one base deleted (A; older notation c.1350delA).
Protein change: p.Ala451fs; shifts the reading frame from alanine 451.
Molecular consequence: frameshift variant.
Genome position (GRCh38, 1-based): chr5:132,392,515, A deleted. VCF-style (leftmost placement, unchanged base first): chr5-132392514-CA-C. GRCh37 (hg19) VCF-style: chr5-131728206-CA-C.
Other names: c.1350delA (NM_003060.3); c.1422del, p.Ala475fs (NM_001308122.2); short protein forms A475fs, A451fs.
Identifiers: ClinVar variation 1367433 (VCV001367433.9), dbSNP rs2126791456, ClinGen allele CA2573138882.